The following is an entry in ClinVar:

ClinVar aggregate classification (germline): Pathogenic (1 of 4 stars; one submission).

Conditions:
POLG-related disorder. Also called: POLG-Related Spectrum Disorders; POLG-related condition; POLG-Related Disorders. Identifiers: MedGen C4763519.

Submission:

Myriad Genetics, Inc.
Classification: Pathogenic for POLG-related disorder. Last evaluated: 2024-02-09. Review status: criteria provided, single submitter. Criteria: Myriad Autosomal Dominant, Autosomal Recessive and X-Linked Classification Criteria (2023). Collection method: clinical testing. Allele origin: unknown.
Comment: NM_002693.2(POLG):c.128_134del7(Q43Rfs*221) is expected to be pathogenic in the context of POLG-related disorders. This variant is predicted to lead to an abnormal or absent protein product due to the creation of a premature termination codon in POLG, a gene where loss-of-function variants are known to be pathogenic. Please note: this variant was assessed in the context of healthy population screening.

NM_002693.3(POLG):c.128_134del (p.Gln43fs)

Genes: POLG (DNA polymerase gamma, catalytic subunit; minus strand), POLGARF (POLG alternative reading frame; minus strand). Cytogenetic location: 15q26.1.
Variant type: Deletion.
Coding change: c.128_134del on transcript NM_002693.3 (MANE Select); coding-DNA positions 128 to 134, 7 bases deleted (AGCAGCA; older notation c.128_134delAGCAGCA).
Protein change: p.Gln43fs; shifts the reading frame from glutamine 43.
Molecular consequence: frameshift variant.
Genome position (GRCh38, 1-based): chr15:89,333,621-89,333,627, TGCTGCT deleted on the plus strand (AGCAGCA on the coding strand, the reverse complement: POLG is on the minus strand). VCF-style (leftmost placement, unchanged base first): chr15-89333620-CTGCTGCT-C. GRCh37 (hg19) VCF-style: chr15-89876851-CTGCTGCT-C.
Other names: c.183_189del, p.Ala62fs (NM_001430120.1); c.128_134del, p.Gln43fs (NM_001126131.2); short protein forms A62fs, Q43fs.
Identifiers: ClinVar variation 5012720 (VCV005012720.1).